The following is an entry in ClinVar:

ClinVar aggregate classification (germline): Likely benign (1 of 4 stars; one submission).

Allele frequency attached by ClinVar (database versions not stated): TOPMed 0.00001; gnomAD 0.00001.

Submission:

GeneDx
Classification: Likely benign. Last evaluated: 2017-03-30. Review status: criteria provided, single submitter. Criteria: GeneDx Variant Classification (06012015). Collection method: clinical testing. Allele origin: germline. Affected: yes.
Comment: This variant is considered likely benign or benign based on one or more of the following criteria: it is a conservative change, it occurs at a poorly conserved position in the protein, it is predicted to be benign by multiple in silico algorithms, and/or has population frequency not consistent with disease.

NM_003036.4(SKI):c.-26_-21dup

Gene: SKI (SKI proto-oncogene; plus strand). Cytogenetic location: 1p36.33.
Variant type: Duplication.
Coding change: c.-26_-21dup on transcript NM_003036.4 (MANE Select); 26 bases upstream of the start codon through 21 bases upstream of the start codon, 6 bases duplicated (AGCGGC; older notation c.-26_-21dupAGCGGC).
Molecular consequence: 5 prime UTR variant.
Genome position (GRCh38, 1-based): chr1:2,228,741-2,228,746, AGCGGC duplicated. VCF-style (leftmost placement, unchanged base first): chr1-2228740-G-GAGCGGC. GRCh37 (hg19) VCF-style: chr1-2160179-G-GAGCGGC.
Other names: c.-26_-21dupAGCGGC (NM_003036.3).
Identifiers: ClinVar variation 508459 (VCV000508459.1), dbSNP rs1219383549, ClinGen allele CA658795368.